The following is an entry in ClinVar:

NM_004176.5(SREBF1):c.1970C>T (p.Ala657Val)

Gene: SREBF1 (sterol regulatory element binding transcription factor 1; minus strand). Cytogenetic location: 17p11.2.
Variant type: single nucleotide variant.
Coding change: c.1970C>T on transcript NM_004176.5 (MANE Select); coding-DNA position 1970, C replaced by T.
Protein change: p.Ala657Val; replaces alanine 657 with valine.
Molecular consequence: missense variant. On other transcripts: non-coding transcript variant (4).
Genome position (GRCh38, 1-based): chr17:17,816,534, G>A on the plus strand (C>T on the coding strand, the complement: SREBF1 is on the minus strand). VCF-style: chr17-17816534-G-A. GRCh37 (hg19) VCF-style: chr17-17719848-G-A.
Other names: c.2060C>T, p.Ala687Val (NM_001005291.3); c.1898C>T, p.Ala633Val (NM_001321096.3); c.1970C>T, p.Ala657Val (NM_001388385.1, NM_001388386.1); c.2009C>T, p.Ala670Val (NM_001388387.1); c.1925C>T, p.Ala642Val (NM_001388388.1); c.1964C>T, p.Ala655Val (NM_001388389.1); c.1952C>T, p.Ala651Val (NM_001388390.1); c.1943C>T, p.Ala648Val (NM_001388391.1); and 3 more; short protein forms A633V, A648V, A687V, A513V, A530V, A583V, A657V, A670V.
Identifiers: ClinVar variation 2384583 (VCV002384583.25), dbSNP rs199775670, ClinGen allele CA8419835.

ClinVar aggregate classification (germline): Conflicting classifications of pathogenicity. Review status: criteria provided, conflicting classifications (1 of 4 stars). 3 submissions from 3 submitters: Uncertain significance (1); Likely benign (2). Last evaluated 2025-02-16.

Conditions:
Inborn genetic diseases. Identifiers: MedGen C0950123, MeSH D030342.

Allele frequency attached by ClinVar (database versions not stated): gnomAD exomes 0.00024; TOPMed 0.00024; ExAC 0.00030; gnomAD 0.00042.
gnomAD v4.1: 403 of 1,602,614 alleles (0.025%); highest among the groups gnomAD compares: Non-Finnish European, 0.029%; no homozygotes.

Submissions (3):

Laboratory of Genetics, Children's Clinical University Hospital Latvia
Classification: Likely benign. Last evaluated: 2025-02-16. Review status: criteria provided, single submitter. Criteria: ACMG Guidelines, 2015. Collection method: clinical testing. Allele origin: germline. Affected: yes.

CeGaT Center for Human Genetics Tuebingen
Classification: Likely benign. Last evaluated: 2024-02-01. Review status: criteria provided, single submitter. Criteria: CeGaT Center For Human Genetics Tuebingen Variant Classification Criteria Version 2. Collection method: clinical testing. Allele origin: germline. Affected: yes. Observed: 1 variant allele.
Comment: SREBF1: BP4, BS2

Ambry Genetics
Classification: Uncertain significance for Inborn genetic diseases. Last evaluated: 2021-07-09. Review status: criteria provided, single submitter. Criteria: Ambry Variant Classification Scheme 2023. Collection method: clinical testing. Allele origin: germline.